The following is an entry in ClinVar:

ClinVar aggregate classification (germline): Uncertain significance (1 of 4 stars; one submission).

Conditions:
Inborn genetic diseases. Identifiers: MedGen C0950123, MeSH D030342.

gnomAD v4.1: 18 of 1,576,406 alleles (0.0011%); highest among the groups gnomAD compares: Admixed American, 0.0063%; no homozygotes.

Submission:

Ambry Genetics
Classification: Uncertain significance for Inborn genetic diseases. Last evaluated: 2025-11-25. Review status: criteria provided, single submitter. Criteria: Ambry Variant Classification Scheme 2023. Collection method: clinical testing. Allele origin: germline.
Comment: The c.214T>C (p.S72P) alteration is located in exon 3 (coding exon 2) of the UGDH gene. This alteration results from a T to C substitution at nucleotide position 214, causing the serine (S) at amino acid position 72 to be replaced by a proline (P). Based on data from gnomAD, the C allele has an overall frequency of 0.001% (3/207486) total alleles studied. The highest observed frequency was 0.009% (2/21562) of Latino alleles. This variant has been identified in the homozygous state and/or in conjunction with other UGDH variant(s) in individual(s) with features consistent with UGDH-related developmental and epileptic encephalopathy; in at least one instance, the variants were identified in trans (Hengel, 2020). This amino acid position is highly conserved in available vertebrate species. Fibroblasts derived from a patient with this variant showed abnormal UGDH function (Hengel, 2020). This alteration is predicted to be deleterious by in silico analysis. Based on insufficient or conflicting evidence, the clinical significance of this alteration remains unclear.

Literature cited by the submitters: PubMed 32001716.

NM_003359.4(UGDH):c.214T>C (p.Ser72Pro)

Gene: UGDH (UDP-glucose 6-dehydrogenase; minus strand). Cytogenetic location: 4p14.
Variant type: single nucleotide variant.
Coding change: c.214T>C on transcript NM_003359.4 (MANE Select); coding-DNA position 214, T replaced by C.
Protein change: p.Ser72Pro; replaces serine 72 with proline.
Molecular consequence: missense variant. On other transcripts: 5 prime UTR variant (1).
Genome position (GRCh38, 1-based): chr4:39,514,133, A>G on the plus strand (T>C on the coding strand, the complement: UGDH is on the minus strand). VCF-style: chr4-39514133-A-G. GRCh37 (hg19) VCF-style: chr4-39515753-A-G.
Other names: c.214T>C, p.Ser72Pro (NM_001184700.2); c.-78T>C (NM_001184701.2); short protein forms S72P.
Identifiers: ClinVar variation 4634081 (VCV004634081.1).
Genomic context (GRCh38, chr4:39,514,133, plus strand): 5'-AAATACTTACAGAAATAAATACAAGATCAGCTTCTTTGATGGCATCATCAATATTGGTAG[A>G]AAAAAAAAGATTTTTTCCTCGACAGGATTCTACCACTTCTTTTAGTCCTGGCTAAAAAGA-3'
Protein context (NP_003350.1, residues 62-82): ESCRGKNLFF[Ser72Pro]TNIDDAIKEA